The following is an entry in ClinVar:

NM_001127898.4(CLCN5):c.1426C>T (p.Arg476Cys)

Gene: CLCN5 (Cl-/H+ antiporter 5; plus strand). Cytogenetic location: Xp11.23.
Variant type: single nucleotide variant.
Coding change: c.1426C>T on transcript NM_001127898.4 (MANE Select); coding-DNA position 1426, C replaced by T.
Protein change: p.Arg476Cys; replaces arginine 476 with cysteine.
Molecular consequence: missense variant.
Genome position (GRCh38, 1-based): chrX:50,086,739, C>T. VCF-style: chrX-50086739-C-T. GRCh37 (hg19) VCF-style: chrX-49851396-C-T.
Other names: c.1216C>T, p.Arg406Cys (NM_000084.5); c.1426C>T, p.Arg476Cys (NM_001127899.4); c.1276C>T, p.Arg426Cys (NM_001282163.2); short protein forms R406C, R426C, R476C.
Identifiers: ClinVar variation 946618 (VCV000946618.24), dbSNP rs782540790, ClinGen allele CA10413876.

ClinVar aggregate classification (germline): Conflicting classifications of pathogenicity. Review status: criteria provided, conflicting classifications (1 of 4 stars). 3 submissions from 3 submitters: Uncertain significance (2); Likely benign (1). Last evaluated 2025-09-23.

Conditions:
Dent disease type 1 (DENT1). Also called: NEPHROLITHIASIS 2; NEPHROLITHIASIS, HYPERCALCIURIC, X-LINKED. Identifiers: Orphanet 1652, Orphanet 93622, MedGen C1848336, MONDO:0010225, OMIM 300009.
X-linked recessive nephrolithiasis with renal failure (XRN). Also called: NEPHROLITHIASIS 1; NEPHROLITHIASIS, X-LINKED RECESSIVE, TYPE 1; UROLITHIASIS, X-LINKED RECESSIVE, TYPE 1. Identifiers: Orphanet 1652, Orphanet 93622, MedGen C0403720, MONDO:0010687, OMIM 310468.
Hypophosphatemic rickets, X-linked recessive (XLHRR). Identifiers: Orphanet 1652, Orphanet 93622, MedGen C1845168, MONDO:0010358, OMIM 300554.
Proteinuria, low molecular weight, with hypercalciuria and nephrocalcinosis. Identifiers: Orphanet 1652, Orphanet 93622, MedGen C1839874, MONDO:0010644, OMIM 308990.

Allele frequency attached by ClinVar (database versions not stated): ExAC 0.00001; gnomAD exomes 0.00001 and 0.00002; gnomAD 0.00005; TOPMed 0.00005.
gnomAD v4.1: 15 of 1,208,853 alleles (0.0012%); highest among the groups gnomAD compares: African/African-American, 0.018%; no homozygotes.

Submissions (3):

Labcorp Genetics (formerly Invitae), Labcorp
Classification: Uncertain significance. Last evaluated: 2025-09-23. Review status: criteria provided, single submitter. Criteria: Invitae Variant Classification Sherloc (09022015). Collection method: clinical testing. Allele origin: germline.
Comment: This sequence change replaces arginine, which is basic and polar, with cysteine, which is neutral and slightly polar, at codon 406 of the CLCN5 protein (p.Arg406Cys). This variant is present in population databases (rs782540790, gnomAD 0.01%). This variant has not been reported in the literature in individuals affected with CLCN5-related conditions. ClinVar contains an entry for this variant (Variation ID: 946618). Invitae Evidence Modeling of protein sequence and biophysical properties (such as structural, functional, and spatial information, amino acid conservation, physicochemical variation, residue mobility, and thermodynamic stability) indicates that this missense variant is not expected to disrupt CLCN5 protein function with a negative predictive value of 80%. In summary, the available evidence is currently insufficient to determine the role of this variant in disease. Therefore, it has been classified as a Variant of Uncertain Significance.

CeGaT Center for Human Genetics Tuebingen
Classification: Likely benign. Last evaluated: 2024-11-01. Review status: criteria provided, single submitter. Criteria: CeGaT Center For Human Genetics Tuebingen Variant Classification Criteria Version 2. Collection method: clinical testing. Allele origin: germline. Affected: yes. Observed: 1 variant allele.
Comment: CLCN5: BS2

Fulgent Genetics
Classification: Uncertain significance for Dent disease type 1; Hypophosphatemic rickets, X-linked recessive; Proteinuria, low molecular weight, with hypercalciuria and nephrocalcinosis; X-linked recessive nephrolithiasis with renal failure. Last evaluated: 2024-02-09. Review status: criteria provided, single submitter. Criteria: ACMG Guidelines, 2015. Collection method: clinical testing. Allele origin: germline.